The following is an entry in ClinVar:

NM_001042492.3(NF1):c.2326-1G>T

Gene: NF1 (neurofibromin 1; plus strand). Cytogenetic location: 17q11.2.
Variant type: single nucleotide variant.
Coding change: c.2326-1G>T on transcript NM_001042492.3 (MANE Select); the canonical splice acceptor site of the intron before coding-DNA position 2326, G replaced by T.
Molecular consequence: splice acceptor variant.
Genome position (GRCh38, 1-based): chr17:31,227,522, G>T. VCF-style: chr17-31227522-G-T. GRCh37 (hg19) VCF-style: chr17-29554540-G-T.
Other names: c.2326-1G>T (NM_000267.4).
Identifiers: ClinVar variation 1364775 (VCV001364775.7), dbSNP rs1567848100, ClinGen allele CA398982993.

ClinVar aggregate classification (germline): Pathogenic/Likely pathogenic. Review status: criteria provided, multiple submitters, no conflicts (2 of 4 stars). 3 submissions from 3 submitters: Pathogenic (1); Likely pathogenic (2). Last evaluated 2024-08-01.

Conditions:
Neurofibromatosis, type 1 (NF1). Also called: Peripheral type neurofibromatosis; Neurofibromatosis, type I; NEUROFIBROMATOSIS, TYPE I, SOMATIC; VON RECKLINGHAUSEN DISEASE. Identifiers: Orphanet 636, MedGen C0027831, MONDO:0018975, OMIM 162200. Disease mechanism: loss of function.

Submissions (3):

Labcorp Genetics (formerly Invitae), Labcorp
Classification: Pathogenic for Neurofibromatosis, type 1. Last evaluated: 2024-08-01. Review status: criteria provided, single submitter. Criteria: Invitae Variant Classification Sherloc (09022015). Collection method: clinical testing. Allele origin: germline.
Comment: This sequence change affects an acceptor splice site in intron 19 of the NF1 gene. It is expected to disrupt RNA splicing. Variants that disrupt the donor or acceptor splice site typically lead to a loss of protein function (PMID: 16199547), and loss-of-function variants in NF1 are known to be pathogenic (PMID: 10712197, 23913538). This variant is not present in population databases (gnomAD no frequency). Disruption of this splice site has been observed in individual(s) with neurofibromatosis type 1 (PMID: 27838393). ClinVar contains an entry for this variant (Variation ID: 1364775). Algorithms developed to predict the effect of sequence changes on RNA splicing suggest that this variant may disrupt the consensus splice site. For these reasons, this variant has been classified as Pathogenic.

GeneDx
Classification: Likely pathogenic. Last evaluated: 2022-12-19. Review status: criteria provided, single submitter. Criteria: GeneDx Variant Classification Process June 2021. Collection method: clinical testing. Allele origin: germline. Affected: yes.
Comment: Canonical splice site variant expected to result in aberrant splicing, although in the absence of functional evidence the actual effect of this sequence change is unknown.; Not observed at significant frequency in large population cohorts (gnomAD); Deletions involving coding exons of this gene are a known mechanism of disease (HGMD); This variant is associated with the following publications: (PMID: 23913538, 10712197, 25486365, 27838393)

Laboratorio de Genetica e Diagnostico Molecular, Hospital Israelita Albert Einstein
Classification: Likely pathogenic for Neurofibromatosis, type 1. Last evaluated: 2022-08-30. Review status: criteria provided, single submitter. Criteria: ACMG Guidelines, 2015. Collection method: clinical testing. Allele origin: germline. Affected: yes. Observed: 1 variant allele.
Comment: ACMG classification criteria: PVS1 strong, PS4 supporting, PM2 moderated

Literature cited by the submitters: PubMed 16199547 (cited by Labcorp Genetics (formerly Invitae), Labcorp); PubMed 10712197 (cited by Labcorp Genetics (formerly Invitae), Labcorp); PubMed 23913538 (cited by Labcorp Genetics (formerly Invitae), Labcorp); PubMed 27838393 (cited by Labcorp Genetics (formerly Invitae), Labcorp).